The following is an entry in ClinVar:

ClinVar aggregate classification (germline): Conflicting classifications of pathogenicity. Review status: criteria provided, conflicting classifications (1 of 4 stars). 3 submissions from 3 submitters: Uncertain significance (1); Likely benign (2). Last evaluated 2024-11-25.

Allele frequency attached by ClinVar (database versions not stated): TOPMed 0.00004; ESP Exome Variant Server 0.00008; gnomAD 0.00012 and 0.00013; ExAC 0.00013; gnomAD exomes 0.00014 and 0.00016.
gnomAD v4.1: 211 of 1,566,782 alleles (0.013%); highest among the groups gnomAD compares: South Asian, 0.018%; no homozygotes.

Submissions (3):

Blueprint Genetics
Classification: Likely benign. Last evaluated: 2024-11-25. Review status: criteria provided, single submitter. Criteria: ACMG Guidelines, 2015. Collection method: clinical testing. Allele origin: germline.

Labcorp Genetics (formerly Invitae), Labcorp
Classification: Uncertain significance. Last evaluated: 2024-01-26. Review status: criteria provided, single submitter. Criteria: Invitae Variant Classification Sherloc (09022015). Collection method: clinical testing. Allele origin: germline.
Comment: This sequence change affects codon 1543 of the MYH14 mRNA. It is a 'silent' change, meaning that it does not change the encoded amino acid sequence of the MYH14 protein. It affects a nucleotide within the consensus splice site. This variant is present in population databases (rs377081835, gnomAD 0.03%), and has an allele count higher than expected for a pathogenic variant. This variant has not been reported in the literature in individuals affected with MYH14-related conditions. ClinVar contains an entry for this variant (Variation ID: 681150). Algorithms developed to predict the effect of sequence changes on RNA splicing suggest that this variant is not likely to affect RNA splicing. In summary, the available evidence is currently insufficient to determine the role of this variant in disease. Therefore, it has been classified as a Variant of Uncertain Significance.

GeneDx
Classification: Likely benign. Last evaluated: 2021-02-03. Review status: criteria provided, single submitter. Criteria: GeneDx Variant Classification Process June 2021. Collection method: clinical testing. Allele origin: germline. Affected: yes.

NM_001145809.2(MYH14):c.4752C>T (p.Ser1584=)

Gene: MYH14 (myosin heavy chain 14; plus strand). Cytogenetic location: 19q13.33.
Variant type: single nucleotide variant.
Coding change: c.4752C>T on transcript NM_001145809.2 (MANE Select); coding-DNA position 4752, C replaced by T.
Protein change: p.Ser1584=; no amino-acid change (serine 1584 retained).
Molecular consequence: synonymous variant.
Genome position (GRCh38, 1-based): chr19:50,286,694, C>T. VCF-style: chr19-50286694-C-T. GRCh37 (hg19) VCF-style: chr19-50789951-C-T.
Other names: c.4653C>T, p.Ser1551= (NM_001077186.2); c.4629C>T, p.Ser1543= (NM_024729.4).
Identifiers: ClinVar variation 681150 (VCV000681150.14), dbSNP rs377081835, ClinGen allele CA9593587.